The following is an entry in ClinVar:

NM_001458.5(FLNC):c.1824C>G (p.Ile608Met)

Gene: FLNC (filamin C; plus strand). Cytogenetic location: 7q32.1.
Variant type: single nucleotide variant.
Coding change: c.1824C>G on transcript NM_001458.5 (MANE Select); coding-DNA position 1824, C replaced by G.
Protein change: p.Ile608Met; replaces isoleucine 608 with methionine.
Molecular consequence: missense variant.
Genome position (GRCh38, 1-based): chr7:128,841,180, C>G. VCF-style: chr7-128841180-C-G. GRCh37 (hg19) VCF-style: chr7-128481234-C-G.
Other names: c.1824C>G, p.Ile608Met (NM_001127487.2); short protein forms I608M.
Identifiers: ClinVar variation 565748 (VCV000565748.9), dbSNP rs753007069, ClinGen allele CA369227152.

ClinVar aggregate classification (germline): Uncertain significance (1 of 4 stars; one submission).

Conditions:
Myofibrillar myopathy 5. Also called: Filaminopathy (type); FILAMINOPATHY, AUTOSOMAL DOMINANT. Identifiers: Orphanet 171445, MedGen C1836050, MONDO:0012289, OMIM 609524.
Distal myopathy with posterior leg and anterior hand involvement. Also called: WILLIAMS DISTAL MYOPATHY. Identifiers: Orphanet 63273, MedGen C3279722, MONDO:0013550, OMIM 614065.
Hypertrophic cardiomyopathy 26. Also called: Cardiomyopathy, familial hypertrophic, 26. Identifiers: Orphanet 75249, MedGen C4310749, MONDO:0014883, OMIM 617047.

Submission:

Labcorp Genetics (formerly Invitae), Labcorp
Classification: Uncertain significance for Distal myopathy with posterior leg and anterior hand involvement; Myofibrillar myopathy 5; Hypertrophic cardiomyopathy 26. Last evaluated: 2022-06-27. Review status: criteria provided, single submitter. Criteria: Invitae Variant Classification Sherloc (09022015). Collection method: clinical testing. Allele origin: germline.
Comment: Algorithms developed to predict the effect of missense changes on protein structure and function are either unavailable or do not agree on the potential impact of this missense change (SIFT: "Deleterious"; PolyPhen-2: "Possibly Damaging"; Align-GVGD: "Class C0"). This sequence change replaces isoleucine, which is neutral and non-polar, with methionine, which is neutral and non-polar, at codon 608 of the FLNC protein (p.Ile608Met). This variant is not present in population databases (gnomAD no frequency). This variant has not been reported in the literature in individuals affected with FLNC-related conditions. ClinVar contains an entry for this variant (Variation ID: 565748). In summary, the available evidence is currently insufficient to determine the role of this variant in disease. Therefore, it has been classified as a Variant of Uncertain Significance.